The following is an entry in ClinVar:

ClinVar aggregate classification (germline): Uncertain significance (1 of 4 stars; one submission).

Submission:

Labcorp Genetics (formerly Invitae), Labcorp
Classification: Uncertain significance. Last evaluated: 2023-05-23. Review status: criteria provided, single submitter. Criteria: Invitae Variant Classification Sherloc (09022015). Collection method: clinical testing. Allele origin: germline.
Comment: Variants that disrupt the consensus splice site are a relatively common cause of aberrant splicing (PMID: 17576681, 9536098). Experimental studies and prediction algorithms are not available or were not evaluated, and the effect of this variant on mRNA splicing is currently unknown. In summary, the available evidence is currently insufficient to determine the role of this variant in disease. Therefore, it has been classified as a Variant of Uncertain Significance. This variant has not been reported in the literature in individuals affected with STUB1-related conditions. Information on the frequency of this variant in the gnomAD database is not available, as this variant may be reported differently in the database. This sequence change falls in intron 4 of the STUB1 gene. It does not directly change the encoded amino acid sequence of the STUB1 protein. It affects a nucleotide within the consensus splice site.

Literature cited by the submitters: PubMed 17576681; PubMed 9536098.

NM_005861.4(STUB1):c.612+6_612+7delinsTT

Genes: JMJD8 (jumonji domain containing 8; minus strand), STUB1 (STIP1 homology and U-box containing protein 1; plus strand). Cytogenetic location: 16p13.3.
Variant type: Indel.
Coding change: c.612+6_612+7delinsTT on transcript NM_005861.4 (MANE Select); bases 6 to 7 of the intron after coding-DNA position 612, GG replaced by TT.
Molecular consequence: intron variant. On other transcripts: 3 prime UTR variant (5), non-coding transcript variant (3).
Genome position (GRCh38, 1-based): chr16:681,886-681,887, GG replaced by TT. VCF-style: chr16-681886-GG-TT. GRCh37 (hg19) VCF-style: chr16-731886-GG-TT.
Other names: c.*907_*908delinsAA (NM_001005920.4, NM_001323919.3, NM_001323920.3); c.*941_*942delinsAA (NM_001323918.3, NM_001323922.3); c.396+6_396+7delinsTT (NM_001293197.2).
Identifiers: ClinVar variation 2777378 (VCV002777378.3), dbSNP rs2543810611, ClinGen allele CA2739269847.
Genomic context (GRCh38, chr16:681,886, plus strand): 5'-TGATGAGGACGACAGCCACGTCCGGGCCCAGCAGGCCTGCATTGAGGCCAAGCACGTGAG[GG>TT]TGCCCCCCACCCACATGTGGGTCTGTGTGTGTGCACGTGGCGTGGGAGCATCCCCGCCTT-3'